The following is an entry in ClinVar:

ClinVar aggregate classification (germline): Likely benign. Review status: criteria provided, single submitter (1 of 4 stars). 2 submissions from 2 submitters: Likely benign (1). 1 of the submissions does not count toward it. Last evaluated 2018-02-09.

Conditions:
Dystrophin deficiency.

Allele frequency attached by ClinVar (database versions not stated): TOPMed 0.00001.

Submissions (2):

GeneDx
Classification: Likely benign. Last evaluated: 2018-02-09. Review status: criteria provided, single submitter. Criteria: GeneDx Variant Classification (06012015). Collection method: clinical testing. Allele origin: germline. Affected: yes.
Comment: This variant is considered likely benign or benign based on one or more of the following criteria: it is a conservative change, it occurs at a poorly conserved position in the protein, it is predicted to be benign by multiple in silico algorithms, and/or has population frequency not consistent with disease.

Natera, Inc.
Classification: Likely benign for Dystrophin deficiency. Last evaluated: 2020-09-16. Review status: no assertion criteria provided. Collection method: clinical testing. Allele origin: germline. Not counted in ClinVar's aggregate classification.

NM_004006.3(DMD):c.2804-6A>G

Gene: DMD (dystrophin; minus strand). Cytogenetic location: Xp21.1.
Variant type: single nucleotide variant.
Coding change: c.2804-6A>G on transcript NM_004006.3 (MANE Select); 6 bases into the intron before coding-DNA position 2804, A replaced by G.
Molecular consequence: intron variant.
Genome position (GRCh38, 1-based): chrX:32,472,315, T>C on the plus strand (A>G on the coding strand, the complement: DMD is on the minus strand). VCF-style: chrX-32472315-T-C. GRCh37 (hg19) VCF-style: chrX-32490432-T-C.
Other names: c.2780-6A>G (NM_000109.4); c.2792-6A>G (NM_004009.3); c.2435-6A>G (NM_004010.3).
Identifiers: ClinVar variation 515179 (VCV000515179.2), dbSNP rs1305291348, ClinGen allele CA658799654.